The following is an entry in ClinVar:

ClinVar aggregate classification (germline): Pathogenic. Review status: reviewed by expert panel (3 of 4 stars). 7 submissions from 7 submitters: Pathogenic (1). 6 of the submissions do not count toward it. Last evaluated 2016-09-08.

Conditions:
Hereditary cancer-predisposing syndrome. Also called: Tumor predisposition; Neoplastic Syndromes, Hereditary; Hereditary Cancer Syndrome; Hereditary neoplastic syndrome. Identifiers: Orphanet 140162, MedGen C0027672, MeSH D009386, MONDO:0015356.
Hereditary breast ovarian cancer syndrome. Also called: Hereditary breast and ovarian cancer syndrome (HBOC); Hereditary breast and ovarian cancer syndrome; Hereditary breast and ovarian cancer; Hereditary breast and/or ovarian cancer syndrome; Breast and ovarian cancer; BRCA1- and BRCA2-Associated Hereditary Breast and Ovarian Cancer. Identifiers: Orphanet 145, MedGen C0677776, MeSH D061325, MONDO:0003582. Disease mechanism: loss of function.
Breast-ovarian cancer, familial, susceptibility to, 1 (BROVCA1). Also called: OVARIAN CANCER, SUSCEPTIBILITY TO; BRCA1 Hereditary Breast and Ovarian Cancer. Identifiers: Orphanet 145, MedGen C2676676, MONDO:0011450, OMIM 604370. Disease mechanism: loss of function.

Submissions (7):

Evidence-based Network for the Interpretation of Germline Mutant Alleles (ENIGMA)
Classification: Pathogenic for Breast-ovarian cancer, familial, susceptibility to, 1. Last evaluated: 2016-09-08. Review status: reviewed by expert panel. Criteria: ENIGMA BRCA1/2 Classification Criteria (2015). Collection method: curation. Allele origin: germline.
Comment: Variant allele predicted to encode a truncated non-functional protein.

Institute of Immunology and Genetics Kaiserslautern
Classification: Pathogenic for Breast-ovarian cancer, familial, susceptibility to, 1. Last evaluated: 2025-07-31. Review status: criteria provided, single submitter. Criteria: ACMG Guidelines, 2015. Collection method: clinical testing. Allele origin: germline. Affected: yes. Not counted in ClinVar's aggregate classification.
Comment: ACMG Criteria: PVS1, PS4, PM2, PP5_M.

Labcorp Genetics (formerly Invitae), Labcorp
Classification: Pathogenic for Hereditary breast ovarian cancer syndrome. Last evaluated: 2024-01-27. Review status: criteria provided, single submitter. Criteria: Invitae Variant Classification Sherloc (09022015). Collection method: clinical testing. Allele origin: germline. Not counted in ClinVar's aggregate classification.
Comment: This sequence change creates a premature translational stop signal (p.Asn363Serfs*2) in the BRCA1 gene. It is expected to result in an absent or disrupted protein product. Loss-of-function variants in BRCA1 are known to be pathogenic (PMID: 20104584). This variant is not present in population databases (gnomAD no frequency). This premature translational stop signal has been observed in individual(s) with personal and family history of breast cancer and/or ovarian cancer (PMID: 9667259, 28324225). This variant is also known as 1205delGA. ClinVar contains an entry for this variant (Variation ID: 54123). For these reasons, this variant has been classified as Pathogenic.

Ambry Genetics
Classification: Pathogenic for Hereditary cancer-predisposing syndrome. Last evaluated: 2022-10-18. Review status: criteria provided, single submitter. Criteria: Ambry Variant Classification Scheme 2023. Collection method: clinical testing. Allele origin: germline. Not counted in ClinVar's aggregate classification.
Comment: The c.1086_1087delGA pathogenic mutation, located in coding exon 9 of the BRCA1 gene, results from a deletion of two nucleotides at nucleotide positions 1086 to 1087, causing a translational frameshift with a predicted alternate stop codon (p.N363Sfs*2). This mutation has been reported in multiple individuals with features of hereditary breast and ovarian cancer (HBOC) syndrome (Frank TS et al. J Clin Oncol, 1998 Jul;16:2417-25; Meisel C et al. Arch Gynecol Obstet, 2017 May;295:1227-1238; Silvestri V et al. JAMA Oncol, 2020 08;6:1218-1230). Of note, this alteration is also designated as 1205delGA in the literature. In addition to the clinical data presented in the literature, this alteration is expected to result in loss of function by premature protein truncation or nonsense-mediated mRNA decay. As such, this alteration is interpreted as a disease-causing mutation.

Consortium of Investigators of Modifiers of BRCA1/2 (CIMBA), c/o University of Cambridge
Classification: Pathogenic for Breast-ovarian cancer, familial, susceptibility to, 1. Last evaluated: 2015-10-02. Review status: criteria provided, single submitter. Criteria: CIMBA Mutation Classification guidelines May 2016. Collection method: clinical testing. Allele origin: germline. Not counted in ClinVar's aggregate classification.

Research Molecular Genetics Laboratory, Women's College Hospital, University of Toronto
Classification: Pathogenic for Hereditary breast ovarian cancer syndrome. Last evaluated: 2014-01-31. Review status: no assertion criteria provided. Collection method: research. Allele origin: germline. Affected: yes. Study: The Canadian Open Genetics Repository (COGR). Not counted in ClinVar's aggregate classification.

Breast Cancer Information Core (BIC) (BRCA1)
Classification: Pathogenic for Breast-ovarian cancer, familial 1. Last evaluated: 1997-02-15. Review status: no assertion criteria provided. Collection method: clinical testing. Allele origin: germline. Affected: yes. Observed: 1 variant allele. Not counted in ClinVar's aggregate classification.

Literature cited by the submitters: PubMed 20104584 (cited by Labcorp Genetics (formerly Invitae), Labcorp); PubMed 9667259 (cited by Labcorp Genetics (formerly Invitae), Labcorp and Ambry Genetics); PubMed 28324225 (cited by Labcorp Genetics (formerly Invitae), Labcorp and Ambry Genetics); PubMed 32614418 (cited by Ambry Genetics).

NM_007294.4(BRCA1):c.1086_1087del (p.Asn363fs)

Gene: BRCA1 (BRCA1 DNA repair associated; minus strand). Cytogenetic location: 17q21.31.
Variant type: Microsatellite.
Coding change: c.1086_1087del on transcript NM_007294.4 (MANE Select); coding-DNA positions 1086 to 1087, 2 bases deleted (GA; older notation c.1086_1087delGA).
Protein change: p.Asn363fs; shifts the reading frame from asparagine 363.
Molecular consequence: frameshift variant. On other transcripts: intron variant (137).
Genome position (GRCh38, 1-based): chr17:43,094,444-43,094,445, TC deleted on the plus strand (GA on the coding strand, the reverse complement: BRCA1 is on the minus strand); deleting any 2 consecutive bases within chr17:43,094,444-43,094,448 gives the same sequence; the c. name uses the placement nearest the transcript's 3' end. VCF-style (leftmost placement, unchanged base first): chr17-43094443-TTC-T. GRCh37 (hg19) VCF-style: chr17-41246460-TTC-T.
Other names: 1205delGA; c.1086_1087delGA (NM_007294.3); c.873_874del, p.Asn292fs (NM_001407571.1, NM_001407853.1, NM_001407894.1 and 9 more transcripts); c.1086_1087del, p.Asn363fs (NM_001407581.1, NM_001407582.1, NM_001407583.1 and 30 more transcripts); c.1083_1084del, p.Asn362fs (NM_001407587.1, NM_001407590.1, NM_001407591.1 and 22 more transcripts); c.1077_1078del, p.Asn360fs (NM_001407646.1, NM_001407647.1); c.963_964del, p.Asn322fs (NM_001407648.1, NM_001407664.1, NM_001407665.1 and 19 more transcripts); c.960_961del, p.Asn321fs (NM_001407649.1, NM_001407670.1, NM_001407671.1 and 11 more transcripts); and 42 more; short protein forms N316fs, N363fs, N195fs, N292fs, N296fs, N337fs, N251fs, N252fs.
Identifiers: ClinVar variation 54123 (VCV000054123.17), dbSNP rs80357897, ClinGen allele CA000727.
Genomic context (GRCh38, chr17:43,094,443, plus strand): 5'-TTAACTTTCTGAATGCTGCTATTTAGTGTTATCCAAGGAACATCTTCAGTATCTCTAGGA[TTC>T]TCTGAGCATGGCAGTTTCTGCTTATTCCATTCTTTTCTCTCACACAGGGGATCAGCATTC-3'